The following is an entry in ClinVar:

ClinVar aggregate classification (germline): Uncertain significance (1 of 4 stars; one submission).

Submission:

GeneDx
Classification: Uncertain significance. Last evaluated: 2022-07-13. Review status: criteria provided, single submitter. Criteria: GeneDx Variant Classification Process June 2021. Collection method: clinical testing. Allele origin: germline. Affected: yes.
Comment: Not observed at significant frequency in large population cohorts (gnomAD); In silico analysis supports that this missense variant has a deleterious effect on protein structure/function; Has not been previously published as pathogenic or benign to our knowledge

NM_015213.4(DENND5A):c.919C>G (p.Leu307Val)

Gene: DENND5A (DENN domain containing 5A; minus strand). Cytogenetic location: 11p15.4.
Variant type: single nucleotide variant.
Coding change: c.919C>G on transcript NM_015213.4 (MANE Select); coding-DNA position 919, C replaced by G.
Protein change: p.Leu307Val; replaces leucine 307 with valine.
Molecular consequence: missense variant. On other transcripts: non-coding transcript variant (1).
Genome position (GRCh38, 1-based): chr11:9,203,690, G>C on the plus strand (C>G on the coding strand, the complement: DENND5A is on the minus strand). VCF-style: chr11-9203690-G-C. GRCh37 (hg19) VCF-style: chr11-9225237-G-C.
Other names: c.919C>G, p.Leu307Val (NM_001243254.2, NM_001348748.1); c.847C>G, p.Leu283Val (NM_001348749.2); c.631C>G, p.Leu211Val (NM_001348750.2); short protein forms L211V, L283V, L307V.
Identifiers: ClinVar variation 1878874 (VCV001878874.1), dbSNP rs764097704, ClinGen allele CA217547482.